The following is an entry in ClinVar:

NM_005631.5(SMO):c.1791C>A (p.Asp597Glu)

Gene: SMO (smoothened, frizzled class receptor; plus strand). Cytogenetic location: 7q32.1.
Variant type: single nucleotide variant.
Coding change: c.1791C>A on transcript NM_005631.5 (MANE Select); coding-DNA position 1791, C replaced by A.
Protein change: p.Asp597Glu; replaces aspartic acid 597 with glutamic acid.
Molecular consequence: missense variant.
Genome position (GRCh38, 1-based): chr7:129,211,103, C>A. VCF-style: chr7-129211103-C-A. GRCh37 (hg19) VCF-style: chr7-128850944-C-A.
Other names: short protein forms D597E.
Identifiers: ClinVar variation 4881339 (VCV004881339.2).

ClinVar aggregate classification (germline): Uncertain significance (1 of 4 stars; one submission).

gnomAD v4.1: 1 of 1,607,472 alleles (0.000062%); highest among the groups gnomAD compares: Middle Eastern, 0.017%; no homozygotes.

Submission:

Dasa
Classification: Uncertain significance. Last evaluated: 2026-02-23. Review status: criteria provided, single submitter. Criteria: DASA Assertion Criteria. Collection method: clinical testing. Allele origin: germline.
Comment: NM_005631.5(SMO):c.1791C>A (p.Asp597Glu) is a missense variant that results in the substitution of aspartic acid with glutamic acid. This variant is rare in population databases. The currently available literature and clinical evidence are not sufficient to establish a definitive association between this variant and the reported condition. Therefore, this variant is classified as a variant of uncertain significance.